The following is an entry in ClinVar:

ClinVar aggregate classification (germline): Uncertain significance. Review status: criteria provided, multiple submitters, no conflicts (2 of 4 stars). 2 submissions from 2 submitters: Uncertain significance (2). Last evaluated 2022-04-23.

Allele frequency attached by ClinVar (database versions not stated): gnomAD exomes 0.00001 and 0.00004; ExAC 0.00007; gnomAD 0.00009 and 0.00010; TOPMed 0.00011.
gnomAD v4.1: 29 of 1,601,036 alleles (0.0018%); highest among the groups gnomAD compares: African/African-American, 0.039%; no homozygotes.

Submissions (2):

Labcorp Genetics (formerly Invitae), Labcorp
Classification: Uncertain significance. Last evaluated: 2022-04-23. Review status: criteria provided, single submitter. Criteria: Invitae Variant Classification Sherloc (09022015). Collection method: clinical testing. Allele origin: germline.
Comment: This sequence change replaces leucine, which is neutral and non-polar, with valine, which is neutral and non-polar, at codon 115 of the CFAP410 protein (p.Leu115Val). This variant is present in population databases (rs762918001, gnomAD 0.05%). This variant has not been reported in the literature in individuals affected with CFAP410-related conditions. ClinVar contains an entry for this variant (Variation ID: 1016617). Algorithms developed to predict the effect of missense changes on protein structure and function (SIFT, PolyPhen-2, Align-GVGD) all suggest that this variant is likely to be disruptive. In summary, the available evidence is currently insufficient to determine the role of this variant in disease. Therefore, it has been classified as a Variant of Uncertain Significance.

Blueprint Genetics
Classification: Uncertain significance. Last evaluated: 2019-11-13. Review status: criteria provided, single submitter. Criteria: ACMG Guidelines, 2015. Collection method: clinical testing. Allele origin: germline.

NM_004928.3(CFAP410):c.343C>G (p.Leu115Val)

Gene: CFAP410 (cilia and flagella associated protein 410; minus strand). Cytogenetic location: 21q22.3.
Variant type: single nucleotide variant.
Coding change: c.343C>G on transcript NM_004928.3 (MANE Select); coding-DNA position 343, C replaced by G.
Protein change: p.Leu115Val; replaces leucine 115 with valine.
Molecular consequence: missense variant.
Genome position (GRCh38, 1-based): chr21:44,333,063, G>C on the plus strand (C>G on the coding strand, the complement: CFAP410 is on the minus strand). VCF-style: chr21-44333063-G-C. GRCh37 (hg19) VCF-style: chr21-45752946-G-C.
Other names: c.343C>G, p.Leu115Val (NM_001271440.2, NM_001271441.2); c.220C>G, p.Leu74Val (NM_001271442.1); short protein forms L115V, L74V.
Identifiers: ClinVar variation 1016617 (VCV001016617.7), dbSNP rs762918001, ClinGen allele CA10053718.